The following is an entry in ClinVar:

NM_006739.4(MCM5):c.1363C>T (p.Arg455Cys)

Gene: MCM5 (minichromosome maintenance complex component 5; plus strand). Cytogenetic location: 22q12.3.
Variant type: single nucleotide variant.
Coding change: c.1363C>T on transcript NM_006739.4 (MANE Select); coding-DNA position 1363, C replaced by T.
Protein change: p.Arg455Cys; replaces arginine 455 with cysteine.
Molecular consequence: missense variant.
Genome position (GRCh38, 1-based): chr22:35,416,354, C>T. VCF-style: chr22-35416354-C-T. GRCh37 (hg19) VCF-style: chr22-35812347-C-T.
Other names: short protein forms R455C.
Identifiers: ClinVar variation 1432961 (VCV001432961.6), dbSNP rs376956267, ClinGen allele CA10205344.
Genomic context (GRCh38, chr22:35,416,354, plus strand): 5'-CCTCACTTCAGTAGGTCTGATGATATTTCTCTCTTCCCCACTTAGATGCGAGAAGATGAC[C>T]GTGTGGCAATCCACGAAGCCATGGAGCAGCAGACCATCTCTATCGCCAAGGTGAGTGGCC-3'
Protein context (NP_006730.2, residues 445-465): DEFDKMREDD[Arg455Cys]VAIHEAMEQQ

ClinVar aggregate classification (germline): Uncertain significance (1 of 4 stars; one submission).

Allele frequency attached by ClinVar (database versions not stated): gnomAD 0.00001; gnomAD exomes 0.00001; ExAC 0.00002; TOPMed 0.00003; ESP Exome Variant Server 0.00008.
gnomAD v4.1: 9 of 1,613,656 alleles (0.00056%); highest among the groups gnomAD compares: African/African-American, 0.0054%; no homozygotes.

Submission:

Labcorp Genetics (formerly Invitae), Labcorp
Classification: Uncertain significance. Last evaluated: 2022-08-15. Review status: criteria provided, single submitter. Criteria: Invitae Variant Classification Sherloc (09022015). Collection method: clinical testing. Allele origin: germline.
Comment: In summary, the available evidence is currently insufficient to determine the role of this variant in disease. Therefore, it has been classified as a Variant of Uncertain Significance. Algorithms developed to predict the effect of missense changes on protein structure and function (SIFT, PolyPhen-2, Align-GVGD) all suggest that this variant is likely to be disruptive. ClinVar contains an entry for this variant (Variation ID: 1432961). This variant has not been reported in the literature in individuals affected with MCM5-related conditions. This variant is present in population databases (rs376956267, gnomAD 0.01%). This sequence change replaces arginine, which is basic and polar, with cysteine, which is neutral and slightly polar, at codon 455 of the MCM5 protein (p.Arg455Cys).